The following is an entry in ClinVar:

ClinVar aggregate classification (germline): Uncertain significance. Review status: criteria provided, multiple submitters, no conflicts (2 of 4 stars). 4 submissions from 4 submitters: Uncertain significance (4). Last evaluated 2026-04-20.

Conditions:
Rhabdomyosarcoma, embryonal, 2 (RMSE2). Identifiers: MedGen C1867234, MONDO:0859046, OMIM 180295.
Euthyroid goiter (MNG1). Also called: MULTINODULAR GOITER, ADOLESCENT; SIMPLE GOITER; Goiter, multinodular 1, with or without Sertoli-Leydig cell tumors; GOITER, NONTOXIC, WITH INTRATHYROIDAL CALCIFICATION. Identifiers: Orphanet 276399, MedGen C0302859, MONDO:0007681, OMIM 138800, HP:0009798.
DICER1-related tumor predisposition. Also called: DICER1 syndrome; DICER1-related pleuropulmonary blastoma cancer predisposition syndrome. Identifiers: Orphanet 284343, MedGen C3839822, MONDO:0100216.
Global developmental delay - lung cysts - overgrowth - Wilms tumor syndrome. Also called: GLOW Syndrome; GLOBAL DEVELOPMENTAL DELAY, LUNG CYSTS, OVERGROWTH, AND WILMS TUMOR. Identifiers: Orphanet 404476, MedGen C4748924, MONDO:0018445, OMIM 618272.
Hereditary cancer-predisposing syndrome. Also called: Hereditary Cancer Syndrome; Tumor predisposition; Hereditary neoplastic syndrome; Neoplastic Syndromes, Hereditary. Identifiers: Orphanet 140162, MedGen C0027672, MeSH D009386, MONDO:0015356.

Allele frequency attached by ClinVar (database versions not stated): gnomAD exomes 0.00001.
gnomAD v4.1: 3 of 1,613,990 alleles (0.00019%); highest among the groups gnomAD compares: African/African-American, 0.0013%; no homozygotes.

Submissions (4):

Ambry Genetics
Classification: Uncertain significance for Hereditary cancer-predisposing syndrome. Last evaluated: 2026-04-20. Review status: criteria provided, single submitter. Criteria: Ambry Variant Classification Scheme 2023. Collection method: clinical testing. Allele origin: germline.
Comment: The p.K832E variant (also known as c.2494A>G), located in coding exon 15 of the DICER1 gene, results from an A to G substitution at nucleotide position 2494. The lysine at codon 832 is replaced by glutamic acid, an amino acid with similar properties. This amino acid position is well conserved in available vertebrate species. In addition, the in silico prediction for this alteration is inconclusive. Based on the available evidence, the clinical significance of this variant remains unclear.

Labcorp Genetics (formerly Invitae), Labcorp
Classification: Uncertain significance for DICER1-related tumor predisposition. Last evaluated: 2025-05-30. Review status: criteria provided, single submitter. Criteria: Invitae Variant Classification Sherloc (09022015). Collection method: clinical testing. Allele origin: germline.
Comment: This sequence change replaces lysine, which is basic and polar, with glutamic acid, which is acidic and polar, at codon 832 of the DICER1 protein (p.Lys832Glu). This variant is not present in population databases (gnomAD no frequency). This variant has not been reported in the literature in individuals affected with DICER1-related conditions. ClinVar contains an entry for this variant (Variation ID: 412093). Invitae Evidence Modeling of protein sequence and biophysical properties (such as structural, functional, and spatial information, amino acid conservation, physicochemical variation, residue mobility, and thermodynamic stability) indicates that this missense variant is not expected to disrupt DICER1 protein function with a negative predictive value of 95%. In summary, the available evidence is currently insufficient to determine the role of this variant in disease. Therefore, it has been classified as a Variant of Uncertain Significance.

Baylor Genetics
Classification: Uncertain significance for Global developmental delay - lung cysts - overgrowth - Wilms tumor syndrome. Last evaluated: 2023-06-01. Review status: criteria provided, single submitter. Criteria: ACMG Guidelines, 2015. Collection method: clinical testing. Allele origin: unknown.

Fulgent Genetics
Classification: Uncertain significance for Euthyroid goiter; Rhabdomyosarcoma, embryonal, 2; Pleuropulmonary blastoma. Last evaluated: 2018-10-31. Review status: criteria provided, single submitter. Criteria: ACMG Guidelines, 2015. Collection method: clinical testing. Allele origin: unknown.

NM_177438.3(DICER1):c.2494A>G (p.Lys832Glu)

Gene: DICER1 (dicer 1, ribonuclease III; minus strand). Cytogenetic location: 14q32.13.
Variant type: single nucleotide variant.
Coding change: c.2494A>G on transcript NM_177438.3 (MANE Select); coding-DNA position 2494, A replaced by G.
Protein change: p.Lys832Glu; replaces lysine 832 with glutamic acid.
Molecular consequence: missense variant.
Genome position (GRCh38, 1-based): chr14:95,108,036, T>C on the plus strand (A>G on the coding strand, the complement: DICER1 is on the minus strand). VCF-style: chr14-95108036-T-C. GRCh37 (hg19) VCF-style: chr14-95574373-T-C.
Other names: c.2494A>G, p.Lys832Glu (NM_001195573.1, NM_001271282.3, NM_001291628.2 and 1 more transcripts); short protein forms K832E.
Identifiers: ClinVar variation 412093 (VCV000412093.20), dbSNP rs1060503613, ClinGen allele CA16614235.